The following is an entry in ClinVar:

NM_020631.6(PLEKHG5):c.185del (p.Lys62fs)

Gene: PLEKHG5 (pleckstrin homology and RhoGEF domain containing G5; minus strand). Cytogenetic location: 1p36.31.
Variant type: Deletion.
Coding change: c.185del on transcript NM_020631.6 (MANE Select); coding-DNA position 185, one base deleted (A; older notation c.185delA).
Protein change: p.Lys62fs; shifts the reading frame from lysine 62.
Molecular consequence: frameshift variant.
Genome position (GRCh38, 1-based): chr1:6,475,487, T deleted on the plus strand (A on the coding strand, the reverse complement: PLEKHG5 is on the minus strand); the first of 2 consecutive T bases (chr1:6,475,487-6,475,488); deleting either gives the same sequence. VCF-style (leftmost placement, unchanged base first): chr1-6475486-CT-C. GRCh37 (hg19) VCF-style: chr1-6535546-CT-C.
Other names: c.296del, p.Lys99fs (NM_001042663.3, NM_001265592.2); c.185del, p.Lys62fs (NM_001042664.2, NM_001042665.2, NM_001265594.3 and 1 more transcripts); c.392del, p.Lys131fs (NM_001265593.2); short protein forms K131fs, K62fs, K99fs.
Identifiers: ClinVar variation 3757749 (VCV003757749.2).
Genomic context (GRCh38, chr1:6,475,486, plus strand): 5'-GGAACCCGCATCTGCCGGCTCTGGGGGGCTCCTCACATCCGTGTGTCTCCTCCTTGCTTT[CT>C]TCTTGGAGAGTTTCAGGCCTGTGCTCTTCCGGTCCCTGCAGGGAAGCGAGGAGGGCAGAG-3'

ClinVar aggregate classification (germline): Pathogenic (1 of 4 stars; one submission).

Conditions:
Neuronopathy, distal hereditary motor, autosomal recessive 4. Also called: NEUROPATHY, DISTAL HEREDITARY MOTOR, AUTOSOMAL RECESSIVE 4; Autosomal recessive lower motor neuron disease with childhood onset. Identifiers: Orphanet 206580, MedGen C1970211, MONDO:0012608, OMIM 611067.
Charcot-Marie-Tooth disease recessive intermediate C. Also called: CHARCOT-MARIE-TOOTH NEUROPATHY, RECESSIVE INTERMEDIATE C. Identifiers: Orphanet 369867, MedGen C3809309, MONDO:0014154, OMIM 615376.

Submission:

Labcorp Genetics (formerly Invitae), Labcorp
Classification: Pathogenic for Neuronopathy, distal hereditary motor, autosomal recessive 4; Charcot-Marie-Tooth disease recessive intermediate C. Last evaluated: 2025-08-27. Review status: criteria provided, single submitter. Criteria: Invitae Variant Classification Sherloc (09022015). Collection method: clinical testing. Allele origin: germline.
Comment: This sequence change creates a premature translational stop signal (p.Lys62Argfs*18) in the PLEKHG5 gene. It is expected to result in an absent or disrupted protein product. Loss-of-function variants in PLEKHG5 are known to be pathogenic (PMID: 17564964, 23777631). This variant is not present in population databases (gnomAD no frequency). This variant has not been reported in the literature in individuals affected with PLEKHG5-related conditions. ClinVar contains an entry for this variant (Variation ID: 3757749). For these reasons, this variant has been classified as Pathogenic.

Literature cited by the submitters: PubMed 17564964; PubMed 23777631.